The following is an entry in ClinVar:

NM_000829.4(GRIA4):c.2410-5C>T

Gene: GRIA4 (glutamate ionotropic receptor AMPA type subunit 4; plus strand). Cytogenetic location: 11q22.3.
Variant type: single nucleotide variant.
Coding change: c.2410-5C>T on transcript NM_000829.4 (MANE Select); 5 bases into the intron before coding-DNA position 2410, C replaced by T.
Molecular consequence: intron variant.
Genome position (GRCh38, 1-based): chr11:105,974,305, C>T. VCF-style: chr11-105974305-C-T. GRCh37 (hg19) VCF-style: chr11-105845032-C-T.
Other names: c.2410-5C>T (NM_001077243.3).
Identifiers: ClinVar variation 3352834 (VCV003352834.2).

ClinVar aggregate classification (germline): Likely benign. Review status: criteria provided, single submitter (1 of 4 stars). 2 submissions from 2 submitters: Likely benign (1). 1 of the submissions does not count toward it. Last evaluated 2024-08-06.

Conditions:
GRIA4-related disorder. Also called: GRIA4-related condition.

gnomAD v4.1: 419 of 1,613,456 alleles (0.026%); highest among the groups gnomAD compares: African/African-American, 0.49%; 1 homozygote.

Submissions (2):

Blueprint Genetics
Classification: Likely benign. Last evaluated: 2024-08-06. Review status: criteria provided, single submitter. Criteria: ACMG Guidelines, 2015. Collection method: clinical testing. Allele origin: germline.

PreventionGenetics, part of Exact Sciences
Classification: Likely benign for GRIA4-related condition. Last evaluated: 2024-08-22. Review status: no assertion criteria provided. Collection method: clinical testing. Allele origin: germline. Not counted in ClinVar's aggregate classification.
Comment: This variant is classified as likely benign based on ACMG/AMP sequence variant interpretation guidelines (Richards et al. 2015 PMID: 25741868, with internal and published modifications).